The following is an entry in ClinVar:

NM_012471.3(TRPC5):c.1563C>T (p.Leu521=)

Gene: TRPC5 (transient receptor potential cation channel subfamily C member 5; minus strand). Cytogenetic location: Xq23.
Variant type: single nucleotide variant.
Coding change: c.1563C>T on transcript NM_012471.3 (MANE Select); coding-DNA position 1563, C replaced by T.
Protein change: p.Leu521=; no amino-acid change (leucine 521 retained).
Molecular consequence: synonymous variant.
Genome position (GRCh38, 1-based): chrX:111,847,251, G>A on the plus strand (C>T on the coding strand, the complement: TRPC5 is on the minus strand). VCF-style: chrX-111847251-G-A. GRCh37 (hg19) VCF-style: chrX-111090479-G-A.
Identifiers: ClinVar variation 4978950 (VCV004978950.1).
Genomic context (GRCh38, chrX:111,847,251, plus strand): 5'-ATAGAAGTAAAGCTGGTTCAGTCCATTGGCAAAAGCTAGTAGTACCAGGCAGTAGATAAA[G>A]AGGAATTTGAGGATATCAAGCAGCATGCGTCCCAAAGAGATCTGCAGAGGTCCTAAGTGG-3'
Protein context (NP_036603.1, residues 511-531): GRMLLDILKF[Leu521=]FIYCLVLLAF

ClinVar aggregate classification (germline): Likely benign (1 of 4 stars; one submission).

Conditions:
TRPC5-related disorder. Also called: TRPC5-related condition.

gnomAD v4.1: 9 of 1,209,147 alleles (0.00074%); highest among the groups gnomAD compares: African/African-American, 0.012%; no homozygotes.

Submission:

PreventionGenetics, part of Exact Sciences
Classification: Likely benign for TRPC5-related condition. Last evaluated: 2025-10-27. Review status: criteria provided, single submitter. Criteria: ACMG Guidelines, 2015. Collection method: clinical testing. Allele origin: germline.
Comment: This variant is classified as likely benign based on ACMG/AMP sequence variant interpretation guidelines (Richards et al. 2015 PMID: 25741868, with internal and published modifications).